The following is an entry in ClinVar:

ClinVar aggregate classification (germline): Pathogenic (1 of 4 stars; one submission).

Conditions:
Monocytopenia with susceptibility to infections. Also called: IMMUNODEFICIENCY 21; GATA2 DEFICIENCY; MONOCYTOPENIA AND MYCOBACTERIAL INFECTION SYNDROME; MONOCYTOPENIA WITH SUSCEPTIBILITY TO MYCOBACTERIAL, FUNGAL, AND PAPILLOMAVIRUS INFECTIONS AND MYELODYSPLASIA; COMBINED IMMUNODEFICIENCY WITH SUSCEPTIBILITY TO MYCOBACTERIAL, VIRAL, AND FUNGAL INFECTIONS; Dendritic cell, monocyte, B lymphocyte, and natural killer lymphocyte deficiency. Identifiers: Orphanet 228423, MedGen C3280030, MONDO:0013607, OMIM 614172.
Deafness-lymphedema-leukemia syndrome. Also called: Lymphedema, primary, with myelodysplasia; Emberger syndrome. Identifiers: Orphanet 3226, MedGen C3279664, MONDO:0013540, OMIM 614038.

Submission:

Labcorp Genetics (formerly Invitae), Labcorp
Classification: Pathogenic for Monocytopenia with susceptibility to infections; Deafness-lymphedema-leukemia syndrome. Last evaluated: 2022-10-13. Review status: criteria provided, single submitter. Criteria: Invitae Variant Classification Sherloc (09022015). Collection method: clinical testing. Allele origin: germline.
Comment: For these reasons, this variant has been classified as Pathogenic. This variant disrupts a region of the GATA2 protein in which other variant(s) (p.Arg396Trp) have been determined to be pathogenic (PMID: 21670465, 27876779, 27924436, 29724903, 31732620). This suggests that this is a clinically significant region of the protein, and that variants that disrupt it are likely to be disease-causing. This variant results in the deletion of part of exon 5 (c.1126_1143+54del) of the GATA2 gene. While this variant is not anticipated to result in nonsense mediated decay, it likely alters RNA splicing and results in a disrupted protein product. This variant is not present in population databases (gnomAD no frequency). This variant has not been reported in the literature in individuals affected with GATA2-related conditions. Variants that disrupt the consensus splice site are a relatively common cause of aberrant splicing (PMID: 17576681, 9536098). Algorithms developed to predict the effect of sequence changes on RNA splicing suggest that this variant may disrupt the consensus splice site.

Literature cited by the submitters: PubMed 21670465; PubMed 27876779; PubMed 27924436; PubMed 29724903; PubMed 31732620; PubMed 17576681; PubMed 9536098.

NM_032638.5(GATA2):c.1126_1143+54del

Gene: GATA2 (GATA binding protein 2; minus strand). Cytogenetic location: 3q21.3.
Variant type: Deletion.
Coding change: c.1126_1143+54del on transcript NM_032638.5 (MANE Select); coding-DNA position 1126 through 54 bases into the intron after coding-DNA position 1143, 72 bases deleted.
Molecular consequence: splice donor variant.
Genome position (GRCh38, 1-based): chr3:128,481,765-128,481,836, 72 bases deleted. GRCh37 (hg19): chr3:128,200,608-128,200,679.
Other names: c.1084_1101+54del (NM_001145662.1); c.1126_1143+54del (NM_001145661.2).
Identifiers: ClinVar variation 2121725 (VCV002121725.4), dbSNP rs2472920509, ClinGen allele CA2580068704.